The following is an entry in ClinVar:

ClinVar aggregate classification (germline): Uncertain significance (1 of 4 stars; one submission).

Submission:

Women's Health and Genetics/Laboratory Corporation of America, LabCorp
Classification: Uncertain significance. Last evaluated: 2024-03-15. Review status: criteria provided, single submitter. Criteria: LabCorp Variant Classification Summary - May 2015. Collection method: clinical testing. Allele origin: germline.
Comment: Variant summary: PANK2 c.1481T>G (p.Leu494Trp) results in a non-conservative amino acid change in the encoded protein sequence. Five of five in-silico tools predict a damaging effect of the variant on protein function. The variant was absent in 251462 control chromosomes (gnomAD). c.1481T>G has been reported in the literature in a homozygous individual affected with Pantothenate Kinase-Associated Neurodegeneration (AKcakaya_2017). These data indicate that the variant may be associated with disease. To our knowledge, no experimental evidence demonstrating an impact on protein function has been reported. The following publication has been ascertained in the context of this evaluation (PMID: 28113101). No submitters have cited clinical-significance assessments for this variant to ClinVar. Based on the evidence outlined above, the variant was classified as VUS-possibly pathogenic.

Literature cited by the submitters: PubMed 28113101.

NM_001386393.1(PANK2):c.1151T>G (p.Leu384Trp)

Gene: PANK2 (pantothenate kinase 2; plus strand). Cytogenetic location: 20p13.
Variant type: single nucleotide variant.
Coding change: c.1151T>G on transcript NM_001386393.1 (MANE Select); coding-DNA position 1151, T replaced by G.
Protein change: p.Leu384Trp; replaces leucine 384 with tryptophan.
Molecular consequence: missense variant. On other transcripts: non-coding transcript variant (1).
Genome position (GRCh38, 1-based): chr20:3,916,995, T>G. VCF-style: chr20-3916995-T-G. GRCh37 (hg19) VCF-style: chr20-3897642-T-G.
Other names: c.608T>G, p.Leu203Trp (NM_001324191.2, NM_024960.6, NM_153640.4); c.173T>G, p.Leu58Trp (NM_001324193.2); c.1481T>G, p.Leu494Trp (NM_153638.4); short protein forms L203W, L384W, L494W, L58W.
Identifiers: ClinVar variation 3233934 (VCV003233934.2), dbSNP rs111863748, ClinGen allele CA408119371.